The following is an entry in ClinVar:

NM_144666.3(DNHD1):c.1678C>G (p.Gln560Glu)

Gene: DNHD1 (dynein heavy chain domain 1; plus strand). Cytogenetic location: 11p15.4.
Variant type: single nucleotide variant.
Coding change: c.1678C>G on transcript NM_144666.3 (MANE Select); coding-DNA position 1678, C replaced by G.
Protein change: p.Gln560Glu; replaces glutamine 560 with glutamic acid.
Molecular consequence: missense variant.
Genome position (GRCh38, 1-based): chr11:6,519,995, C>G. VCF-style: chr11-6519995-C-G. GRCh37 (hg19) VCF-style: chr11-6541225-C-G.
Other names: NC_000011.9:g.6541225C>G; c.1678C>G, p.Gln560Glu (NM_173589.4); short protein forms Q560E.
Identifiers: ClinVar variation 3057048 (VCV003057048.3), dbSNP rs11603869, ClinGen allele CA5855662.

ClinVar aggregate classification (germline): Benign (0 of 4 stars; one submission).

Conditions:
DNHD1-related disorder. Also called: DNHD1-related condition.

Allele frequency attached by ClinVar (database versions not stated): 1000 Genomes Project 0.14257; ESP Exome Variant Server 0.18355; gnomAD 0.16685; ExAC 0.17481; gnomAD exomes 0.19664; 1000 Genomes Project 30x 0.14022; TOPMed 0.16499.
gnomAD v4.1: 312,773 of 1,614,046 alleles (19%); highest among the groups gnomAD compares: South Asian, 23%; 32,011 homozygotes.

Submissions (14):

PreventionGenetics, part of Exact Sciences
Classification: Benign for DNHD1-related condition. Last evaluated: 2019-11-01. Review status: no assertion criteria provided. Collection method: clinical testing. Allele origin: germline.
Comment: This variant is classified as benign based on ACMG/AMP sequence variant interpretation guidelines (Richards et al. 2015 PMID: 25741868, with internal and published modifications).

Dr. Peter K. Rogan Lab, Western University
No classification provided (evidence only). Condition: Squamous cell carcinoma of the head and neck. Review status: no classification provided. Collection method: in vitro. Allele origin: not applicable. Functional consequence: retained intron. Not counted in ClinVar's aggregate classification.

Dr. Peter K. Rogan Lab, Western University
No classification provided (evidence only). Condition: Malignant lymphoma, large B-cell, diffuse. Review status: no classification provided. Collection method: in vitro. Allele origin: not applicable. Functional consequence: retained intron. Not counted in ClinVar's aggregate classification.

Dr. Peter K. Rogan Lab, Western University
No classification provided (evidence only). Condition: Malignant lymphoma, large B-cell, diffuse. Review status: no classification provided. Collection method: in vitro. Allele origin: not applicable. Functional consequence: retained intron. Not counted in ClinVar's aggregate classification.

Dr. Peter K. Rogan Lab, Western University
No classification provided (evidence only). Condition: Malignant lymphoma, large B-cell, diffuse. Review status: no classification provided. Collection method: in vitro. Allele origin: not applicable. Functional consequence: retained intron. Not counted in ClinVar's aggregate classification.

Dr. Peter K. Rogan Lab, Western University
No classification provided (evidence only). Condition: Malignant lymphoma, large B-cell, diffuse. Review status: no classification provided. Collection method: in vitro. Allele origin: not applicable. Functional consequence: retained intron. Not counted in ClinVar's aggregate classification.

Dr. Peter K. Rogan Lab, Western University
No classification provided (evidence only). Condition: Malignant lymphoma, large B-cell, diffuse. Review status: no classification provided. Collection method: in vitro. Allele origin: not applicable. Functional consequence: retained intron. Not counted in ClinVar's aggregate classification.

Dr. Peter K. Rogan Lab, Western University
No classification provided (evidence only). Condition: Malignant lymphoma, large B-cell, diffuse. Review status: no classification provided. Collection method: in vitro. Allele origin: not applicable. Functional consequence: retained intron. Not counted in ClinVar's aggregate classification.

Dr. Peter K. Rogan Lab, Western University
No classification provided (evidence only). Condition: Uterine carcinosarcoma. Review status: no classification provided. Collection method: in vitro. Allele origin: not applicable. Functional consequence: retained intron. Not counted in ClinVar's aggregate classification.

Dr. Peter K. Rogan Lab, Western University
No classification provided (evidence only). Condition: Uterine carcinosarcoma. Review status: no classification provided. Collection method: in vitro. Allele origin: not applicable. Functional consequence: retained intron. Not counted in ClinVar's aggregate classification.

Dr. Peter K. Rogan Lab, Western University
No classification provided (evidence only). Condition: Uterine carcinosarcoma. Review status: no classification provided. Collection method: in vitro. Allele origin: not applicable. Functional consequence: retained intron. Not counted in ClinVar's aggregate classification.

Dr. Peter K. Rogan Lab, Western University
No classification provided (evidence only). Condition: Uterine carcinosarcoma. Review status: no classification provided. Collection method: in vitro. Allele origin: not applicable. Functional consequence: retained intron. Not counted in ClinVar's aggregate classification.

Dr. Peter K. Rogan Lab, Western University
No classification provided (evidence only). Condition: Uterine carcinosarcoma. Review status: no classification provided. Collection method: in vitro. Allele origin: not applicable. Functional consequence: retained intron. Not counted in ClinVar's aggregate classification.

Dr. Peter K. Rogan Lab, Western University
No classification provided (evidence only). Condition: Uterine carcinosarcoma. Review status: no classification provided. Collection method: in vitro. Allele origin: not applicable. Functional consequence: retained intron. Not counted in ClinVar's aggregate classification.